The following is an entry in ClinVar:

NM_000051.4(ATM):c.331+2857A>C

Gene: ATM (ATM serine/threonine kinase; plus strand). Cytogenetic location: 11q22.3.
Variant type: single nucleotide variant.
Coding change: c.331+2857A>C on transcript NM_000051.4 (MANE Select); 2857 bases into the intron after coding-DNA position 331, A replaced by C.
Molecular consequence: intron variant.
Genome position (GRCh38, 1-based): chr11:108,232,180, A>C. VCF-style: chr11-108232180-A-C. GRCh37 (hg19) VCF-style: chr11-108102907-A-C.
Other names: c.331+2857A>C (NM_001351834.2).
Identifiers: ClinVar variation 4854718 (VCV004854718.1).

ClinVar aggregate classification (germline): Uncertain significance (1 of 4 stars; one submission).

Conditions:
Familial cancer of breast. Also called: hereditary breast carcinoma; BREAST CANCER, FAMILIAL; Hereditary breast cancer. Identifiers: Orphanet 227535, MedGen C0346153, MONDO:0016419, OMIM 114480. Disease mechanism: loss of function.

Submission:

3billion
Classification: Uncertain significance for Familial cancer of breast. Last evaluated: 2025-07-07. Review status: criteria provided, single submitter. Criteria: ACMG Guidelines, 2015. Collection method: clinical testing. Allele origin: germline. Affected: yes.
Comment: The variant is not observed in the gnomAD v4.1.0 dataset. Predicted Consequence/Location: Intron variant In silico tools predict the variant to alter splicing and produce an abnormal transcript [SpliceAI: 0.38 (>=0.2, moderate evidence for spliceogenicity)]. Therefore, this variant is classified as VUS according to the recommendation of ACMG/AMP guideline.